The following is an entry in ClinVar:

NM_005477.3(HCN4):c.139A>C (p.Ser47Arg)

Gene: HCN4 (hyperpolarization activated cyclic nucleotide gated potassium channel 4; minus strand). Cytogenetic location: 15q24.1.
Variant type: single nucleotide variant.
Coding change: c.139A>C on transcript NM_005477.3 (MANE Select); coding-DNA position 139, A replaced by C.
Protein change: p.Ser47Arg; replaces serine 47 with arginine.
Molecular consequence: missense variant.
Genome position (GRCh38, 1-based): chr15:73,368,132, T>G on the plus strand (A>C on the coding strand, the complement: HCN4 is on the minus strand). VCF-style: chr15-73368132-T-G. GRCh37 (hg19) VCF-style: chr15-73660473-T-G.
Other names: short protein forms S47R.
Identifiers: ClinVar variation 1771710 (VCV001771710.2), dbSNP rs2549080651, ClinGen allele CA393098899.

ClinVar aggregate classification (germline): Uncertain significance (1 of 4 stars; one submission).

Conditions:
Cardiovascular phenotype. Identifiers: MedGen CN230736.

gnomAD v4.1: 1 of 1,514,704 alleles (0.000066%); highest among the groups gnomAD compares: Non-Finnish European, 0.000088%; no homozygotes.

Submission:

Ambry Genetics
Classification: Uncertain significance for Cardiovascular phenotype. Last evaluated: 2022-01-10. Review status: criteria provided, single submitter. Criteria: Ambry Variant Classification Scheme 2023. Collection method: clinical testing. Allele origin: germline.
Comment: The p.S47R variant (also known as c.139A>C), located in coding exon 1 of the HCN4 gene, results from an A to C substitution at nucleotide position 139. The serine at codon 47 is replaced by arginine, an amino acid with dissimilar properties. This amino acid position is conserved. In addition, the in silico prediction for this alteration is inconclusive. Since supporting evidence is limited at this time, the clinical significance of this alteration remains unclear.